The following is an entry in ClinVar:

ClinVar aggregate classification (germline): Uncertain significance (1 of 4 stars; one submission).

Conditions:
Hereditary cancer-predisposing syndrome. Also called: Neoplastic Syndromes, Hereditary; Tumor predisposition; Hereditary neoplastic syndrome; Hereditary Cancer Syndrome. Identifiers: Orphanet 140162, MedGen C0027672, MeSH D009386, MONDO:0015356.

Submission:

Ambry Genetics
Classification: Uncertain significance for Hereditary cancer-predisposing syndrome. Last evaluated: 2026-07-06. Review status: criteria provided, single submitter. Criteria: Ambry Variant Classification Scheme 2023. Collection method: clinical testing. Allele origin: germline.
Comment: The p.L815M variant (also known as c.2443C>A), located in coding exon 10 of the MET gene, results from a C to A substitution at nucleotide position 2443. The leucine at codon 815 is replaced by methionine, an amino acid with highly similar properties. This amino acid position is conserved. In addition, this alteration is predicted to be tolerated by in silico analysis. Based on the available evidence, the clinical significance of this variant remains unclear.

NM_000245.4(MET):c.2443C>A (p.Leu815Met)

Gene: MET (MET proto-oncogene, receptor tyrosine kinase; plus strand). Cytogenetic location: 7q31.2.
Variant type: single nucleotide variant.
Coding change: c.2443C>A on transcript NM_000245.4 (MANE Select); coding-DNA position 2443, C replaced by A.
Protein change: p.Leu815Met; replaces leucine 815 with methionine.
Molecular consequence: missense variant.
Genome position (GRCh38, 1-based): chr7:116,763,128, C>A. VCF-style: chr7-116763128-C-A. GRCh37 (hg19) VCF-style: chr7-116403182-C-A.
Other names: c.2497C>A, p.Leu833Met (NM_001127500.3); c.2443C>A, p.Leu815Met (NM_001324401.3); c.1153C>A, p.Leu385Met (NM_001324402.2); short protein forms L385M, L815M, L833M.
Identifiers: ClinVar variation 5024351 (VCV005024351.1).